The following is an entry in ClinVar:

NM_006521.6(TFE3):c.1455G>T (p.Gln485His)

Gene: TFE3 (transcription factor binding to IGHM enhancer 3; minus strand). Cytogenetic location: Xp11.23.
Variant type: single nucleotide variant.
Coding change: c.1455G>T on transcript NM_006521.6 (MANE Select); coding-DNA position 1455, G replaced by T.
Protein change: p.Gln485His; replaces glutamine 485 with histidine.
Molecular consequence: missense variant.
Genome position (GRCh38, 1-based): chrX:49,030,431, C>A on the plus strand (G>T on the coding strand, the complement: TFE3 is on the minus strand). VCF-style: chrX-49030431-C-A. GRCh37 (hg19) VCF-style: chrX-48887942-C-A.
Other names: c.1140G>T, p.Gln380His (NM_001282142.2); c.1455G>T (NM_006521.5); short protein forms Q380H, Q485H.
Identifiers: ClinVar variation 1410471 (VCV001410471.9), dbSNP rs1218432951, ClinGen allele CA412902621.

ClinVar aggregate classification (germline): Uncertain significance. Review status: criteria provided, single submitter (1 of 4 stars). 2 submissions from 2 submitters: Uncertain significance (1). 1 of the submissions does not count toward it. Last evaluated 2021-07-10.

Conditions:
TFE3-related disorder. Also called: TFE3-related condition.

Allele frequency attached by ClinVar (database versions not stated): gnomAD 0.00001; TOPMed 0.00001.
gnomAD v4.1: 2 of 1,209,225 alleles (0.00017%); highest among the groups gnomAD compares: African/African-American, 0.0018%; no homozygotes.

Submissions (2):

Labcorp Genetics (formerly Invitae), Labcorp
Classification: Uncertain significance. Last evaluated: 2021-07-10. Review status: criteria provided, single submitter. Criteria: Invitae Variant Classification Sherloc (09022015). Collection method: clinical testing. Allele origin: germline.
Comment: This sequence change replaces glutamine with histidine at codon 485 of the TFE3 protein (p.Gln485His). The glutamine residue is weakly conserved and there is a small physicochemical difference between glutamine and histidine. This variant is not present in population databases (ExAC no frequency). This variant has not been reported in the literature in individuals with TFE3-related conditions. Algorithms developed to predict the effect of missense changes on protein structure and function are either unavailable or do not agree on the potential impact of this missense change (SIFT: "Tolerated"; PolyPhen-2: "Possibly Damaging"; Align-GVGD: "Class C0"). In summary, the available evidence is currently insufficient to determine the role of this variant in disease. Therefore, it has been classified as a Variant of Uncertain Significance.

PreventionGenetics, part of Exact Sciences
Classification: Uncertain significance for TFE3-related condition. Last evaluated: 2024-05-03. Review status: no assertion criteria provided. Collection method: clinical testing. Allele origin: germline. Not counted in ClinVar's aggregate classification.
Comment: The TFE3 c.1455G>T variant is predicted to result in the amino acid substitution p.Gln485His. To our knowledge, this variant has not been reported in the literature or in a large population database, indicating this variant is rare. At this time, the clinical significance of this variant is uncertain due to the absence of conclusive functional and genetic evidence.